The following is an entry in ClinVar:

NM_000020.3(ACVRL1):c.1121_1124dup (p.Tyr375Ter)

Gene: ACVRL1 (activin A receptor like type 1; plus strand). Cytogenetic location: 12q13.13.
Variant type: Duplication.
Coding change: c.1121_1124dup on transcript NM_000020.3 (MANE Select); coding-DNA positions 1121 to 1124, 4 bases duplicated (GGTA; older notation c.1121_1124dupGGTA).
Protein change: p.Tyr375Ter; replaces tyrosine 375 with a stop codon.
Molecular consequence: nonsense. On other transcripts: intron variant (1).
Genome position (GRCh38, 1-based): chr12:51,916,108-51,916,111, GGTA duplicated. VCF-style (leftmost placement, unchanged base first): chr12-51916107-C-CGGTA. GRCh37 (hg19) VCF-style: chr12-52309891-C-CGGTA.
Other names: c.1121_1124dup, p.Tyr375Ter (NM_001077401.2, NM_001406487.1, NM_001406488.1 and 1 more transcripts); c.809_812dup, p.Tyr271Ter (NM_001406490.1, NM_001406491.1, NM_001406492.1 and 1 more transcripts); c.557_560dup, p.Tyr187Ter (NM_001406495.1); c.736+608_736+611dup (NM_001406494.1); short protein forms Y187*, Y271*, Y375*.
Identifiers: ClinVar variation 3900634 (VCV003900634.2).

ClinVar aggregate classification (germline): Pathogenic/Likely pathogenic. Review status: criteria provided, multiple submitters, no conflicts (2 of 4 stars). 2 submissions from 2 submitters: Pathogenic (1); Likely pathogenic (1). Last evaluated 2026-03-17.

Conditions:
Telangiectasia, hereditary hemorrhagic, type 2 (HHT2). Also called: ACVRL1-Related Hereditary Hemorrhagic Telangiectasia; Telangiectasia, hereditary hemorrhagic, type II. Identifiers: Orphanet 774, MedGen C1838163, MONDO:0010880, OMIM 600376. Disease mechanism: loss of function.

Submissions (2):

Victorian Clinical Genetics Services, Murdoch Childrens Research Institute
Classification: Pathogenic for Telangiectasia, hereditary hemorrhagic, type 2. Last evaluated: 2026-03-17. Review status: criteria provided, single submitter. Criteria: ACMG Guidelines, 2015. Collection method: clinical testing. Allele origin: germline. Affected: yes.
Comment: This variant is classified as Pathogenic. Evidence in support of pathogenic classification: Variant is predicted to cause nonsense-mediated decay (NMD) and loss of protein (premature termination codon is located at least 54 nucleotides upstream of the final exon-exon junction); Variant is absent from gnomAD (v2, v3 and v4); This variant has limited previous evidence of pathogenicity. It has been classified as likely pathogenic by one clinical laboratory in ClinVar; Other NMD-predicted variants comparable to the one identified in this case have very strong previous evidence for pathogenicity (DECIPHER). Additional information: This variant is heterozygous; This gene is associated with autosomal dominant disease; Dominant negative and loss of function are known mechanisms of disease in this gene and are associated with hereditary haemorrhagic telangiectasia type 2 (MIM#600376) (PMIDs: 16282348, 26176610); Variants in this gene are known to have variable expressivity. Clinical expression is known to be extremely variable and age-dependent (PMID: 19767588); Inheritance information for this variant is not currently available in this individual.

Department of Medical Genomics, Royal Prince Alfred Hospital
Classification: Likely pathogenic for Telangiectasia, hereditary hemorrhagic, type 2. Last evaluated: 2025-05-12. Review status: criteria provided, single submitter. Criteria: ACMG Guidelines, 2015. Collection method: clinical testing. Allele origin: germline. Inheritance: Autosomal dominant inheritance. Affected: yes.
Comment: The c.1121_1124dup is a rare variant, being absent from the control population database (gnomAD v4.1.0). The four base pair duplication results in a frameshift, with the disruption of reading frame predicted to introduce a termination in protein translation in one codon downstream of the deletion (p.Tyr375*). This frameshift occurs in a catalytic domain of the ACVRL1 protein, where other pathogenic variants have been detected. Based on the current evidence and gene-specific guidelines, the ACVRL1:c.1121_1124dup variant is classified as likely pathogenic (ACMG: PVS1, PM2_supporting).

Literature cited by the submitters: PubMed 19767588 (cited by Victorian Clinical Genetics Services, Murdoch Childrens Research Institute); PubMed 16282348 (cited by Victorian Clinical Genetics Services, Murdoch Childrens Research Institute); PubMed 26176610 (cited by Victorian Clinical Genetics Services, Murdoch Childrens Research Institute); PubMed 40225928 (cited by Department of Medical Genomics, Royal Prince Alfred Hospital).